The following is an entry in ClinVar:

NM_006939.4(SOS2):c.2767C>T (p.Pro923Ser)

Gene: SOS2 (SOS Ras/Rho guanine nucleotide exchange factor 2; minus strand). Cytogenetic location: 14q21.3.
Variant type: single nucleotide variant.
Coding change: c.2767C>T on transcript NM_006939.4 (MANE Select); coding-DNA position 2767, C replaced by T.
Protein change: p.Pro923Ser; replaces proline 923 with serine.
Molecular consequence: missense variant.
Genome position (GRCh38, 1-based): chr14:50,139,960, G>A on the plus strand (C>T on the coding strand, the complement: SOS2 is on the minus strand). VCF-style: chr14-50139960-G-A. GRCh37 (hg19) VCF-style: chr14-50606678-G-A.
Other names: c.2767C>T (NM_006939.2); c.2668C>T, p.Pro890Ser (NM_001411020.1); short protein forms P923S, P890S.
Identifiers: ClinVar variation 3715486 (VCV003715486.3).

ClinVar aggregate classification (germline): Uncertain significance. Review status: criteria provided, multiple submitters, no conflicts (2 of 4 stars). 2 submissions from 2 submitters: Uncertain significance (2). Last evaluated 2025-10-24.

Conditions:
Noonan syndrome 9 (NS9). Identifiers: Orphanet 648, MedGen C4225282, MONDO:0014691, OMIM 616559.
Cardiovascular phenotype. Identifiers: MedGen CN230736.

gnomAD v4.1: 1 of 1,569,780 alleles (0.000064%); highest among the groups gnomAD compares: Non-Finnish European, 0.000088%; no homozygotes.

Submissions (2):

Ambry Genetics
Classification: Uncertain significance for Cardiovascular phenotype. Last evaluated: 2025-10-24. Review status: criteria provided, single submitter. Criteria: Ambry Variant Classification Scheme 2023. Collection method: clinical testing. Allele origin: germline.

Labcorp Genetics (formerly Invitae), Labcorp
Classification: Uncertain significance for Noonan syndrome 9. Last evaluated: 2024-12-27. Review status: criteria provided, single submitter. Criteria: Invitae Variant Classification Sherloc (09022015). Collection method: clinical testing. Allele origin: germline.
Comment: This sequence change replaces proline, which is neutral and non-polar, with serine, which is neutral and polar, at codon 923 of the SOS2 protein (p.Pro923Ser). This variant is not present in population databases (gnomAD no frequency). This variant has not been reported in the literature in individuals affected with SOS2-related conditions. Invitae Evidence Modeling of protein sequence and biophysical properties (such as structural, functional, and spatial information, amino acid conservation, physicochemical variation, residue mobility, and thermodynamic stability) has been performed for this missense variant. However, the output from this modeling did not meet the statistical confidence thresholds required to predict the impact of this variant on SOS2 protein function. In summary, the available evidence is currently insufficient to determine the role of this variant in disease. Therefore, it has been classified as a Variant of Uncertain Significance.